The following is an entry in ClinVar:

ClinVar aggregate classification (germline): Uncertain significance (1 of 4 stars; one submission).

Allele frequency attached by ClinVar (database versions not stated): gnomAD exomes below 0.00001; gnomAD 0.00003 and 0.00004; TOPMed 0.00003.
gnomAD v4.1: 7 of 1,613,886 alleles (0.00043%); highest among the groups gnomAD compares: African/African-American, 0.0094%; no homozygotes.

Submission:

GeneDx
Classification: Uncertain significance. Last evaluated: 2021-12-30. Review status: criteria provided, single submitter. Criteria: GeneDx Variant Classification Process June 2021. Collection method: clinical testing. Allele origin: germline. Affected: yes.
Comment: In silico analysis supports that this missense variant has a deleterious effect on protein structure/function; Has not been previously published as pathogenic or benign to our knowledge

NM_004733.4(SLC33A1):c.500G>A (p.Gly167Glu)

Gene: SLC33A1 (solute carrier family 33 member 1; minus strand). Cytogenetic location: 3q25.31.
Variant type: single nucleotide variant.
Coding change: c.500G>A on transcript NM_004733.4 (MANE Select); coding-DNA position 500, G replaced by A.
Protein change: p.Gly167Glu; replaces glycine 167 with glutamic acid.
Molecular consequence: missense variant.
Genome position (GRCh38, 1-based): chr3:155,853,498, C>T on the plus strand (G>A on the coding strand, the complement: SLC33A1 is on the minus strand). VCF-style: chr3-155853498-C-T. GRCh37 (hg19) VCF-style: chr3-155571287-C-T.
Other names: c.500G>A, p.Gly167Glu (NM_001190992.2, NM_001363883.1); short protein forms G167E.
Identifiers: ClinVar variation 1693437 (VCV001693437.2), dbSNP rs886907958, ClinGen allele CA85833456.